The following is an entry in ClinVar:

NM_000540.3(RYR1):c.4692G>C (p.Glu1564Asp)

Gene: RYR1 (ryanodine receptor 1; plus strand). Cytogenetic location: 19q13.2.
Variant type: single nucleotide variant.
Coding change: c.4692G>C on transcript NM_000540.3 (MANE Select); coding-DNA position 4692, G replaced by C.
Protein change: p.Glu1564Asp; replaces glutamic acid 1564 with aspartic acid.
Molecular consequence: missense variant.
Genome position (GRCh38, 1-based): chr19:38,483,098, G>C. VCF-style: chr19-38483098-G-C. GRCh37 (hg19) VCF-style: chr19-38973738-G-C.
Other names: c.4692G>C, p.Glu1564Asp (NM_001042723.2); short protein forms E1564D.
Identifiers: ClinVar variation 3069827 (VCV003069827.5), dbSNP rs1318445977, ClinGen allele CA405649558.

ClinVar aggregate classification (germline): Uncertain significance. Review status: criteria provided, multiple submitters, no conflicts (2 of 4 stars). 3 submissions from 3 submitters: Uncertain significance (3). Last evaluated 2026-03-17.

Conditions:
RYR1-related disorder. Also called: RYR1-related condition; RYR1-related disorders. Identifiers: MedGen CN239331.
Malignant hyperthermia, susceptibility to, 1 (MHS1). Also called: Malignant hyperthermia suceptibility 1; RYR1-Related Malignant Hyperthermia Susceptibility; Anesthesia related hyperthermia; Malignant hyperpyrexia; Fulminating hyperpyrexia; Pharmacogenic myopathy. Identifiers: Orphanet 423, MedGen C2930980, MONDO:0007783, OMIM 145600.

Allele frequency attached by ClinVar (database versions not stated): gnomAD 0.00001; TOPMed 0.00001; gnomAD exomes 0.00002.
gnomAD v4.1: 31 of 1,613,998 alleles (0.0019%); highest among the groups gnomAD compares: Non-Finnish European, 0.0024%; no homozygotes.

Submissions (3):

GeneDx
Classification: Uncertain significance. Last evaluated: 2026-03-17. Review status: criteria provided, single submitter. Criteria: GeneDx Variant Classification Process June 2021. Collection method: clinical testing. Allele origin: germline.
Comment: Not observed at significant frequency in large population cohorts (gnomAD); In silico analysis supports that this missense variant has a deleterious effect on protein structure/function; Has not been previously published as pathogenic or benign to our knowledge

Labcorp Genetics (formerly Invitae), Labcorp
Classification: Uncertain significance for RYR1-related disorder. Last evaluated: 2024-12-24. Review status: criteria provided, single submitter. Criteria: Invitae Variant Classification Sherloc (09022015). Collection method: clinical testing. Allele origin: germline.
Comment: This sequence change replaces glutamic acid, which is acidic and polar, with aspartic acid, which is acidic and polar, at codon 1564 of the RYR1 protein (p.Glu1564Asp). This variant is not present in population databases (gnomAD no frequency). This variant has not been reported in the literature in individuals affected with RYR1-related conditions. ClinVar contains an entry for this variant (Variation ID: 3069827). Invitae Evidence Modeling of protein sequence and biophysical properties (such as structural, functional, and spatial information, amino acid conservation, physicochemical variation, residue mobility, and thermodynamic stability) indicates that this missense variant is expected to disrupt RYR1 protein function with a positive predictive value of 80%. In summary, the available evidence is currently insufficient to determine the role of this variant in disease. Therefore, it has been classified as a Variant of Uncertain Significance.

All of Us Research Program, National Institutes of Health
Classification: Uncertain significance for Malignant hyperthermia, susceptibility to, 1. Last evaluated: 2024-02-22. Review status: criteria provided, single submitter. Criteria: ACMG Guidelines, 2015. Collection method: clinical testing. Allele origin: germline. Inheritance: Autosomal dominant inheritance. Observed: 7 variant alleles, 7 heterozygotes.
Comment: This missense variant replaces glutamic acid with aspartic acid at codon 1564 of the RYR1 protein. Computational prediction suggests that this variant may not impact protein structure and function (internally defined REVEL score threshold <= 0.5, PMID: 27666373). To our knowledge, functional studies have not been reported for this variant. This variant has not been reported in individuals affected with RYR1-related disorders in the literature. This variant has not been identified in the general population by the Genome Aggregation Database (gnomAD). The available evidence is insufficient to determine the role of this variant in disease conclusively. Therefore, this variant is classified as a Variant of Uncertain Significance.

This study involves interpretation of variants in research participants for the purpose of population health screening. Participant phenotype was not available at the time of variant classification. Additional details can be found in publication PMID: 35346344, PMCID: PMC8962531